The following is an entry in ClinVar:

NM_022765.4(MICAL1):c.1986G>T (p.Glu662Asp)

Gene: MICAL1 (microtubule associated monooxygenase, calponin and LIM domain containing 1; minus strand). Cytogenetic location: 6q21.
Variant type: single nucleotide variant.
Coding change: c.1986G>T on transcript NM_022765.4 (MANE Select); coding-DNA position 1986, G replaced by T.
Protein change: p.Glu662Asp; replaces glutamic acid 662 with aspartic acid.
Molecular consequence: missense variant.
Genome position (GRCh38, 1-based): chr6:109,447,681, C>A on the plus strand (G>T on the coding strand, the complement: MICAL1 is on the minus strand). VCF-style: chr6-109447681-C-A. GRCh37 (hg19) VCF-style: chr6-109768884-C-A.
Other names: c.1728G>T, p.Glu576Asp (NM_001159291.2); c.2043G>T, p.Glu681Asp (NM_001286613.2); short protein forms E576D, E662D, E681D.
Identifiers: ClinVar variation 2878013 (VCV002878013.3), dbSNP rs369132958, ClinGen allele CA145119154.

ClinVar aggregate classification (germline): Uncertain significance (1 of 4 stars; one submission).

Allele frequency attached by ClinVar (database versions not stated): TOPMed 0.00001; ESP Exome Variant Server 0.00008.

Submission:

Labcorp Genetics (formerly Invitae), Labcorp
Classification: Uncertain significance. Last evaluated: 2023-11-04. Review status: criteria provided, single submitter. Criteria: Invitae Variant Classification Sherloc (09022015). Collection method: clinical testing. Allele origin: germline.
Comment: This sequence change replaces glutamic acid, which is acidic and polar, with aspartic acid, which is acidic and polar, at codon 681 of the MICAL1 protein (p.Glu681Asp). This variant also falls at the last nucleotide of exon 15, which is part of the consensus splice site for this exon. This variant is not present in population databases (gnomAD no frequency). This variant has not been reported in the literature in individuals affected with MICAL1-related conditions. An algorithm developed to predict the effect of missense changes on protein structure and function (PolyPhen-2) suggests that this variant is likely to be tolerated. Variants that disrupt the consensus splice site are a relatively common cause of aberrant splicing (PMID: 17576681, 9536098). Algorithms developed to predict the effect of sequence changes on RNA splicing suggest that this variant may disrupt the consensus splice site. In summary, the available evidence is currently insufficient to determine the role of this variant in disease. Therefore, it has been classified as a Variant of Uncertain Significance.

Literature cited by the submitters: PubMed 17576681; PubMed 9536098.